The following is an entry in ClinVar:

NM_000388.4(CASR):c.939G>A (p.Val313=)

Gene: CASR (calcium sensing receptor; plus strand). Cytogenetic location: 3q21.1.
Variant type: single nucleotide variant.
Coding change: c.939G>A on transcript NM_000388.4 (MANE Select); coding-DNA position 939, G replaced by A.
Protein change: p.Val313=; no amino-acid change (valine 313 retained).
Molecular consequence: synonymous variant.
Genome position (GRCh38, 1-based): chr3:122,261,974, G>A. VCF-style: chr3-122261974-G-A. GRCh37 (hg19) VCF-style: chr3-121980821-G-A.
Other names: c.939G>A, p.Val313= (NM_001178065.2); c.939G>A (NM_001178065.1).
Identifiers: ClinVar variation 463960 (VCV000463960.38), dbSNP rs750302987, ClinGen allele CA2569564.

ClinVar aggregate classification (germline): Likely benign. Review status: criteria provided, multiple submitters, no conflicts (2 of 4 stars). 4 submissions from 4 submitters: Likely benign (4). Last evaluated 2026-04-08.

Conditions:
CASR-related disorder. Also called: CASR-related condition.
Autosomal dominant hypocalcemia 1 (HYPOC1). Also called: HYPOCALCEMIA, FAMILIAL. Identifiers: MedGen C3715128, MONDO:0011013, OMIM 601198.
Familial hypocalciuric hypercalcemia (FHH). Also called: Familial benign hypercalcemia. Identifiers: Orphanet 405, MedGen C1809471, MONDO:0018458.
Nephrolithiasis/nephrocalcinosis. Identifiers: MedGen CN580796.

Allele frequency attached by ClinVar (database versions not stated): gnomAD 0.00001; gnomAD exomes 0.00001 and 0.00002; TOPMed 0.00001; ExAC 0.00002.
gnomAD v4.1: 31 of 1,614,202 alleles (0.0019%); highest among the groups gnomAD compares: East Asian, 0.0022%; no homozygotes.

Submissions (4):

PreventionGenetics, part of Exact Sciences
Classification: Likely benign for CASR-related condition. Last evaluated: 2026-04-08. Review status: criteria provided, single submitter. Criteria: ACMG Guidelines, 2015. Collection method: clinical testing. Allele origin: germline.
Comment: This variant is classified as likely benign based on ACMG/AMP sequence variant interpretation guidelines (Richards et al. 2015 PMID: 25741868, with internal and published modifications).

Labcorp Genetics (formerly Invitae), Labcorp
Classification: Likely benign for Familial hypocalciuric hypercalcemia; Autosomal dominant hypocalcemia 1. Last evaluated: 2024-10-05. Review status: criteria provided, single submitter. Criteria: Invitae Variant Classification Sherloc (09022015). Collection method: clinical testing. Allele origin: germline.

CeGaT Center for Human Genetics Tuebingen
Classification: Likely benign. Last evaluated: 2023-10-01. Review status: criteria provided, single submitter. Criteria: CeGaT Center For Human Genetics Tuebingen Variant Classification Criteria Version 2. Collection method: clinical testing. Allele origin: germline. Affected: yes. Observed: 1 variant allele.
Comment: CASR: BP4, BP7

Ambry Genetics
Classification: Likely benign for Nephrolithiasis/nephrocalcinosis. Last evaluated: 2019-07-24. Review status: criteria provided, single submitter. Criteria: Ambry Variant Classification Scheme 2023. Collection method: clinical testing. Allele origin: germline.